The following is an entry in ClinVar:

NM_001127178.3(PIGG):c.1140G>T (p.Met380Ile)

Gene: PIGG (phosphatidylinositol glycan anchor biosynthesis class G (EMM blood group); plus strand). Cytogenetic location: 4p16.3.
Variant type: single nucleotide variant.
Coding change: c.1140G>T on transcript NM_001127178.3 (MANE Select); coding-DNA position 1140, G replaced by T.
Protein change: p.Met380Ile; replaces methionine 380 with isoleucine.
Molecular consequence: missense variant. On other transcripts: 5 prime UTR variant (2), non-coding transcript variant (10), intron variant (1).
Genome position (GRCh38, 1-based): chr4:521,081, G>T. VCF-style: chr4-521081-G-T. GRCh37 (hg19) VCF-style: chr4-514870-G-T.
Other names: c.873G>T, p.Met291Ile (NM_001289051.2, NM_001289053.2, NM_001345986.2 and 1 more transcripts); c.741G>T, p.Met247Ile (NM_001289052.2); c.774G>T, p.Met258Ile (NM_001289055.2); c.111G>T, p.Met37Ile (NM_001345988.2); c.1140G>T, p.Met380Ile (NM_001345989.2, NM_017733.5); c.-348G>T (NM_001345990.2, NM_001345991.2); c.66G>T, p.Met22Ile (NM_001345994.2); c.848-579G>T (NM_001289057.2); short protein forms M291I, M380I, M22I, M258I, M37I, M247I.
Identifiers: ClinVar variation 2111651 (VCV002111651.4), dbSNP rs1401131145, ClinGen allele CA355903567.

ClinVar aggregate classification (germline): Uncertain significance (1 of 4 stars; one submission).

Conditions:
Intellectual disability, autosomal recessive 53 (NEDHSCA). Also called: GLYCOSYLPHOSPHATIDYLINOSITOL BIOSYNTHESIS DEFECT 13; Mental retardation, autosomal recessive 53; NEURODEVELOPMENTAL DISORDER WITH OR WITHOUT HYPOTONIA, SEIZURES, AND CEREBELLAR ATROPHY. Identifiers: Orphanet 488635, MedGen C4310794, MONDO:0014832, OMIM 616917.

Allele frequency attached by ClinVar (database versions not stated): gnomAD exomes below 0.00001; gnomAD 0.00001; TOPMed 0.00001.

Submission:

Labcorp Genetics (formerly Invitae), Labcorp
Classification: Uncertain significance for Intellectual disability, autosomal recessive 53. Last evaluated: 2022-06-27. Review status: criteria provided, single submitter. Criteria: Invitae Variant Classification Sherloc (09022015). Collection method: clinical testing. Allele origin: germline.
Comment: In summary, the available evidence is currently insufficient to determine the role of this variant in disease. Therefore, it has been classified as a Variant of Uncertain Significance. Algorithms developed to predict the effect of missense changes on protein structure and function output the following: SIFT: "Tolerated"; PolyPhen-2: "Benign"; Align-GVGD: "Class C0". The isoleucine amino acid residue is found in multiple mammalian species, which suggests that this missense change does not adversely affect protein function. This variant has not been reported in the literature in individuals affected with PIGG-related conditions. This variant is not present in population databases (gnomAD no frequency). This sequence change replaces methionine, which is neutral and non-polar, with isoleucine, which is neutral and non-polar, at codon 380 of the PIGG protein (p.Met380Ile).